The following is an entry in ClinVar:

ClinVar aggregate classification (germline): Uncertain significance. Review status: criteria provided, multiple submitters, no conflicts (2 of 4 stars). 2 submissions from 2 submitters: Uncertain significance (2). Last evaluated 2025-09-03.

Conditions:
DICER1-related tumor predisposition. Also called: DICER1-related pleuropulmonary blastoma cancer predisposition syndrome; DICER1 syndrome. Identifiers: Orphanet 284343, MedGen C3839822, MONDO:0100216.
Hereditary cancer-predisposing syndrome. Also called: Neoplastic Syndromes, Hereditary; Hereditary Cancer Syndrome; Hereditary neoplastic syndrome; Tumor predisposition. Identifiers: Orphanet 140162, MedGen C0027672, MeSH D009386, MONDO:0015356.

Submissions (2):

Labcorp Genetics (formerly Invitae), Labcorp
Classification: Uncertain significance for DICER1-related tumor predisposition. Last evaluated: 2025-09-03. Review status: criteria provided, single submitter. Criteria: Invitae Variant Classification Sherloc (09022015). Collection method: clinical testing. Allele origin: germline.
Comment: This sequence change replaces alanine, which is neutral and non-polar, with serine, which is neutral and polar, at codon 1579 of the DICER1 protein (p.Ala1579Ser). This variant is not present in population databases (gnomAD no frequency). This variant has not been reported in the literature in individuals affected with DICER1-related conditions. ClinVar contains an entry for this variant (Variation ID: 825133). Invitae Evidence Modeling of protein sequence and biophysical properties (such as structural, functional, and spatial information, amino acid conservation, physicochemical variation, residue mobility, and thermodynamic stability) has been performed for this missense variant. However, the output from this modeling did not meet the statistical confidence thresholds required to predict the impact of this variant on DICER1 protein function. In summary, the available evidence is currently insufficient to determine the role of this variant in disease. Therefore, it has been classified as a Variant of Uncertain Significance.

Ambry Genetics
Classification: Uncertain significance for Hereditary cancer-predisposing syndrome. Last evaluated: 2018-10-03. Review status: criteria provided, single submitter. Criteria: Ambry Variant Classification Scheme 2023. Collection method: clinical testing. Allele origin: germline.
Comment: The p.A1579S variant (also known as c.4735G>T), located in coding exon 22 of the DICER1 gene, results from a G to T substitution at nucleotide position 4735. The alanine at codon 1579 is replaced by serine, an amino acid with similar properties. This amino acid position is highly conserved in available vertebrate species. In addition, the in silico prediction for this alteration is inconclusive. Since supporting evidence is limited at this time, the clinical significance of this alteration remains unclear.

NM_177438.3(DICER1):c.4735G>T (p.Ala1579Ser)

Gene: DICER1 (dicer 1, ribonuclease III; minus strand). Cytogenetic location: 14q32.13.
Variant type: single nucleotide variant.
Coding change: c.4735G>T on transcript NM_177438.3 (MANE Select); coding-DNA position 4735, G replaced by T.
Protein change: p.Ala1579Ser; replaces alanine 1579 with serine.
Molecular consequence: missense variant.
Genome position (GRCh38, 1-based): chr14:95,096,185, C>A on the plus strand (G>T on the coding strand, the complement: DICER1 is on the minus strand). VCF-style: chr14-95096185-C-A. GRCh37 (hg19) VCF-style: chr14-95562522-C-A.
Other names: c.4735G>T, p.Ala1579Ser (NM_001195573.1, NM_001271282.3, NM_001291628.2 and 1 more transcripts); short protein forms A1579S.
Identifiers: ClinVar variation 825133 (VCV000825133.5), dbSNP rs1595339889, ClinGen allele CA390867388.